The following is an entry in ClinVar:

NM_001184.4(ATR):c.5971C>G (p.Pro1991Ala)

Gene: ATR (ATR checkpoint kinase; minus strand). Cytogenetic location: 3q23.
Variant type: single nucleotide variant.
Coding change: c.5971C>G on transcript NM_001184.4 (MANE Select); coding-DNA position 5971, C replaced by G.
Protein change: p.Pro1991Ala; replaces proline 1991 with alanine.
Molecular consequence: missense variant.
Genome position (GRCh38, 1-based): chr3:142,493,239, G>C on the plus strand (C>G on the coding strand, the complement: ATR is on the minus strand). VCF-style: chr3-142493239-G-C. GRCh37 (hg19) VCF-style: chr3-142212081-G-C.
Other names: c.5779C>G, p.Pro1927Ala (NM_001354579.2); short protein forms P1927A, P1991A.
Identifiers: ClinVar variation 1383597 (VCV001383597.8), dbSNP rs757634741, ClinGen allele CA354811624.
Genomic context (GRCh38, chr3:142,493,239, plus strand): 5'-CCATAAATCGGCCCACTAGTAGCATAGCTCGACCATGGATTAACATGTTCTTACCCTCAG[G>C]TGGGGTTTCATTTTCAGGAAAACATAATTCAACACCTTTTTGAAGAACAATTAGTGCCTG-3'
Protein context (NP_001175.2, residues 1981-2001): ELCFPENETP[Pro1991Ala]EGKNMLIHGR

ClinVar aggregate classification (germline): Uncertain significance (1 of 4 stars; one submission).

Submission:

Labcorp Genetics (formerly Invitae), Labcorp
Classification: Uncertain significance. Last evaluated: 2020-12-12. Review status: criteria provided, single submitter. Criteria: Invitae Variant Classification Sherloc (09022015). Collection method: clinical testing. Allele origin: germline.
Comment: In summary, the available evidence is currently insufficient to determine the role of this variant in disease. Therefore, it has been classified as a Variant of Uncertain Significance. Algorithms developed to predict the effect of missense changes on protein structure and function output the following: SIFT: "Tolerated"; PolyPhen-2: "Benign"; Align-GVGD: "Class C0". The alanine amino acid residue is found in multiple mammalian species, suggesting that this missense change does not adversely affect protein function. These predictions have not been confirmed by published functional studies and their clinical significance is uncertain. This variant has not been reported in the literature in individuals with ATR-related conditions. This variant is not present in population databases (ExAC no frequency). This sequence change replaces proline with alanine at codon 1991 of the ATR protein (p.Pro1991Ala). The proline residue is weakly conserved and there is a small physicochemical difference between proline and alanine.